The following is an entry in ClinVar:

NM_153717.3(EVC):c.1068_1069del (p.Leu357fs)

Gene: EVC (EvC ciliary complex subunit 1; plus strand). Cytogenetic location: 4p16.2.
Variant type: Deletion.
Coding change: c.1068_1069del on transcript NM_153717.3 (MANE Select); coding-DNA positions 1068 to 1069, 2 bases deleted (AT; older notation c.1068_1069delAT).
Protein change: p.Leu357fs; shifts the reading frame from leucine 357.
Molecular consequence: frameshift variant.
Genome position (GRCh38, 1-based): chr4:5,748,276-5,748,277, AT deleted; deleting any 2 consecutive bases within chr4:5,748,275-5,748,277 gives the same sequence; the c. name uses the placement nearest the transcript's 3' end. VCF-style (leftmost placement, unchanged base first): chr4-5748274-CTA-C. GRCh37 (hg19) VCF-style: chr4-5750001-CTA-C.
Other names: c.1068_1069del, p.Leu357fs (NM_001306090.2, NM_001306092.2); short protein forms L357fs.
Identifiers: ClinVar variation 1725698 (VCV001725698.2), dbSNP rs2475164777, ClinGen allele CA2580070811.
Genomic context (GRCh38, chr4:5,748,274, plus strand): 5'-AGCTCCAAAGCCCGACAGCTGATGATGACTCTGACGGAAAGAATGATTGCAGCCGAAGGG[CTA>C]TTGTGCGATTCTCAGGAGCTGCAGGCTCTGGTAATGCTGGAGGGGGCGGGAGGGAACATA-3'

ClinVar aggregate classification (germline): Likely pathogenic (1 of 4 stars; one submission).

Conditions:
Ellis-van Creveld syndrome (EVC). Also called: EVC-Related Ellis-van Creveld Syndrome; EVC2-Related Ellis-van Creveld Syndrome; MESOECTODERMAL DYSPLASIA; Chondroectodermal dysplasia. Identifiers: Orphanet 289, MedGen C0013903, MONDO:0009162, OMIM 225500.

Submission:

Myriad Genetics, Inc.
Classification: Likely pathogenic for Ellis-van Creveld syndrome. Last evaluated: 2022-03-31. Review status: criteria provided, single submitter. Criteria: Myriad Women's Health Autosomal Recessive and X-Linked Classification Criteria (2021). Collection method: clinical testing. Allele origin: unknown.
Comment: NM_153717.2(EVC):c.1068_1069delAT(L357Vfs*26) is expected to be pathogenic in the context of EVC-related Ellis-van Creveld syndrome. This variant is predicted to lead to an abnormal or absent protein product due to the creation of a premature termination codon in EVC, a gene where loss-of-function variants are known to be pathogenic. Please note: this variant was assessed in the context of healthy population screening.